The following is an entry in ClinVar:

ClinVar aggregate classification (germline): Likely pathogenic (1 of 4 stars; one submission).

Conditions:
Intellectual disability, autosomal recessive 53 (NEDHSCA). Also called: NEURODEVELOPMENTAL DISORDER WITH OR WITHOUT HYPOTONIA, SEIZURES, AND CEREBELLAR ATROPHY; GLYCOSYLPHOSPHATIDYLINOSITOL BIOSYNTHESIS DEFECT 13; Mental retardation, autosomal recessive 53. Identifiers: Orphanet 488635, MedGen C4310794, MONDO:0014832, OMIM 616917.

Submission:

3billion
Classification: Likely pathogenic for Intellectual disability, autosomal recessive 53. Last evaluated: 2024-01-24. Review status: criteria provided, single submitter. Criteria: ACMG Guidelines, 2015. Collection method: clinical testing. Allele origin: germline. Affected: yes.
Comment: The variant is not observed in the gnomAD v2.1.1 dataset. Predicted Consequence/Location: Canonical splice site: predicted to alter splicing and result in a loss or disruption of normal protein function. Multiple pathogenic loss-of-function variants are reported downstream of the variant. In silico tools predict the variant to alter splicing and produce an abnormal transcript [Splice AI: 0.97 (spliceogenicity >=0.2, non-spliceogenicity <0.1)]. Therefore, this variant is classified as Likely pathogenic according to the recommendation of ACMG/AMP guideline.

NM_001127178.3(PIGG):c.1614+1G>T

Gene: PIGG (phosphatidylinositol glycan anchor biosynthesis class G (EMM blood group); plus strand). Cytogenetic location: 4p16.3.
Variant type: single nucleotide variant.
Coding change: c.1614+1G>T on transcript NM_001127178.3 (MANE Select); the canonical splice donor site of the intron after coding-DNA position 1614, G replaced by T.
Molecular consequence: splice donor variant. On other transcripts: missense variant (1), 3 prime UTR variant (2), non-coding transcript variant (1).
Genome position (GRCh38, 1-based): chr4:521,942, G>T. VCF-style: chr4-521942-G-T. GRCh37 (hg19) VCF-style: chr4-515731-G-T.
Other names: c.1348G>T, p.Val450Leu (NM_001289053.2); c.*177G>T (NM_001289055.2); c.*230G>T (NM_001289057.2); c.516+1G>T (NM_001345994.2); c.1347+1G>T (NM_001345986.2, NM_001289051.2); c.1323+1G>T (NM_001345987.2); c.81+1G>T (NM_001345991.2, NM_001345990.2); c.585+1G>T (NM_001345988.2); and 3 more; short protein forms V450L.
Identifiers: ClinVar variation 3776120 (VCV003776120.1).